The following is an entry in ClinVar:

NM_001868.4(CPA1):c.944C>T (p.Pro315Leu)

Gene: CPA1 (carboxypeptidase A1; plus strand). Cytogenetic location: 7q32.2.
Variant type: single nucleotide variant.
Coding change: c.944C>T on transcript NM_001868.4 (MANE Select); coding-DNA position 944, C replaced by T.
Protein change: p.Pro315Leu; replaces proline 315 with leucine.
Molecular consequence: missense variant.
Genome position (GRCh38, 1-based): chr7:130,385,302, C>T. VCF-style: chr7-130385302-C-T. GRCh37 (hg19) VCF-style: chr7-130025143-C-T.
Other names: short protein forms P315L.
Identifiers: ClinVar variation 2622195 (VCV002622195.2), dbSNP rs2536012383, ClinGen allele CA369283852.

ClinVar aggregate classification (germline): Uncertain significance (1 of 4 stars; one submission).

Conditions:
Hereditary pancreatitis (PCTT). Also called: PRSS1-Related Hereditary Pancreatitis; Hereditary chronic pancreatitis. Identifiers: Orphanet 676, MedGen C0238339, MONDO:0008185, OMIM 167800.

Submission:

Ambry Genetics
Classification: Uncertain significance for Hereditary pancreatitis. Last evaluated: 2023-06-24. Review status: criteria provided, single submitter. Criteria: Ambry Variant Classification Scheme 2023. Collection method: clinical testing. Allele origin: germline.
Comment: The p.P315L variant (also known as c.944C>T), located in coding exon 8 of the CPA1 gene, results from a C to T substitution at nucleotide position 944. The proline at codon 315 is replaced by leucine, an amino acid with similar properties. This amino acid position is conserved. In addition, this alteration is predicted to be deleterious by in silico analysis. Since supporting evidence is limited at this time, the clinical significance of this alteration remains unclear.